The following is an entry in ClinVar:

ClinVar aggregate classification (germline): Uncertain significance (1 of 4 stars; one submission).

Conditions:
Townes syndrome (TBS). Also called: Townes-Brocks syndrome. Identifiers: Orphanet 857, MedGen C0265246, MeSH C536974, MONDO:0007142.

Allele frequency attached by ClinVar (database versions not stated): gnomAD exomes below 0.00001.
gnomAD v4.1: 1 of 1,614,156 alleles (0.000062%); highest among the groups gnomAD compares: Admixed American, 0.0017%; no homozygotes.

Submission:

Labcorp Genetics (formerly Invitae), Labcorp
Classification: Uncertain significance for Townes syndrome. Last evaluated: 2023-12-01. Review status: criteria provided, single submitter. Criteria: Invitae Variant Classification Sherloc (09022015). Collection method: clinical testing. Allele origin: germline.
Comment: This sequence change replaces alanine, which is neutral and non-polar, with threonine, which is neutral and polar, at codon 702 of the SALL1 protein (p.Ala702Thr). This variant is present in population databases (no rsID available, gnomAD 0.003%). This variant has not been reported in the literature in individuals affected with SALL1-related conditions. Advanced modeling of protein sequence and biophysical properties (such as structural, functional, and spatial information, amino acid conservation, physicochemical variation, residue mobility, and thermodynamic stability) performed at Invitae indicates that this missense variant is not expected to disrupt SALL1 protein function with a negative predictive value of 80%. In summary, the available evidence is currently insufficient to determine the role of this variant in disease. Therefore, it has been classified as a Variant of Uncertain Significance.

NM_002968.3(SALL1):c.2104G>A (p.Ala702Thr)

Gene: SALL1 (spalt like transcription factor 1; minus strand). Cytogenetic location: 16q12.1.
Variant type: single nucleotide variant.
Coding change: c.2104G>A on transcript NM_002968.3 (MANE Select); coding-DNA position 2104, G replaced by A.
Protein change: p.Ala702Thr; replaces alanine 702 with threonine.
Molecular consequence: missense variant.
Genome position (GRCh38, 1-based): chr16:51,140,118, C>T on the plus strand (G>A on the coding strand, the complement: SALL1 is on the minus strand). VCF-style: chr16-51140118-C-T. GRCh37 (hg19) VCF-style: chr16-51174029-C-T.
Other names: c.1813G>A, p.Ala605Thr (NM_001127892.2); short protein forms A702T, A605T.
Identifiers: ClinVar variation 2728761 (VCV002728761.3), dbSNP rs1288798415, ClinGen allele CA395886369.
Genomic context (GRCh38, chr16:51,140,118, plus strand): 5'-TCAAGGCGCTCTGGCAGCTGAGAACCCGGTGGCAGATGATGCACTCATTGGGGTCAGTGG[C>T]CTTCTTGTCAATGTTTTCTACCAGTTGCTGAAGCTTGGACGTCTCTGATGCCTGAGCTGA-3'
Protein context (NP_002959.2, residues 692-712): QQLVENIDKK[Ala702Thr]TDPNECIICH